The following is an entry in ClinVar:

ClinVar aggregate classification (germline): Conflicting classifications of pathogenicity. Review status: criteria provided, conflicting classifications (1 of 4 stars). 4 submissions from 4 submitters: Uncertain significance (3); Likely benign (1). Last evaluated 2026-05-04.

Conditions:
Dilated cardiomyopathy 1G (CMD1G). Identifiers: Orphanet 154, MedGen C1858763, MONDO:0011400, OMIM 604145.
Autosomal recessive limb-girdle muscular dystrophy type 2J (LGMDR10). Also called: Limb-girdle muscular dystrophy, type 2J; MUSCULAR DYSTROPHY, LIMB-GIRDLE, AUTOSOMAL RECESSIVE 10. Identifiers: Orphanet 140922, MedGen C1837342, MONDO:0012127, OMIM 608807.

Allele frequency attached by ClinVar (database versions not stated): gnomAD 0.00001 and below 0.00001; gnomAD exomes 0.00002 and 0.00003; ExAC 0.00003; 1000 Genomes Project 30x 0.00016; 1000 Genomes Project 0.00020; TOPMed below 0.00001.
gnomAD v4.1: 37 of 1,614,202 alleles (0.0023%); highest among the groups gnomAD compares: South Asian, 0.036%; no homozygotes.

Submissions (4):

Women's Health and Genetics/Laboratory Corporation of America, LabCorp
Classification: Uncertain significance. Last evaluated: 2026-05-04. Review status: criteria provided, single submitter. Criteria: LabCorp Variant Classification Summary - May 2015. Collection method: clinical testing. Allele origin: germline.

GeneDx
Classification: Likely benign. Last evaluated: 2021-02-18. Review status: criteria provided, single submitter. Criteria: GeneDx Variant Classification Process June 2021. Collection method: clinical testing. Allele origin: germline. Affected: yes.

Labcorp Genetics (formerly Invitae), Labcorp
Classification: Uncertain significance for Dilated cardiomyopathy 1G; Autosomal recessive limb-girdle muscular dystrophy type 2J. Last evaluated: 2017-12-05. Review status: criteria provided, single submitter. Criteria: Invitae Variant Classification Sherloc (09022015). Collection method: clinical testing. Allele origin: germline.

Biesecker Lab/Clinical Genomics Section, National Institutes of Health
Classification: Uncertain significance. Last evaluated: 2013-06-24. Review status: criteria provided, single submitter. Criteria: Ng et al. (Circ Cardiovasc Genet. 2013). Collection method: research. Allele origin: unknown. Observed: 1 variant allele. Study: ClinSeq.
Comment: The study set was not selected for affection status in relation to any cancer. Pathogenicity categories were based on literature curation. See Pubmed ID:23861362 for details.

Medical sequencing

NM_001267550.2(TTN):c.5855A>G (p.His1952Arg)

Gene: TTN (titin; minus strand). Cytogenetic location: 2q31.2.
Variant type: single nucleotide variant.
Coding change: c.5855A>G on transcript NM_001267550.2 (MANE Select); coding-DNA position 5855, A replaced by G.
Protein change: p.His1952Arg; replaces histidine 1952 with arginine.
Molecular consequence: missense variant.
Genome position (GRCh38, 1-based): chr2:178,776,009, T>C on the plus strand (A>G on the coding strand, the complement: TTN is on the minus strand). VCF-style: chr2-178776009-T-C. GRCh37 (hg19) VCF-style: chr2-179640736-T-C.
Other names: c.5855A>G, p.His1952Arg (NM_133378.4, NM_001256850.1, NM_133379.5); c.5717A>G, p.His1906Arg (NM_003319.4, NM_133432.3, NM_133437.4); short protein forms H1952R, H1906R.
Identifiers: ClinVar variation 192078 (VCV000192078.7), dbSNP rs572691153, ClinGen allele CA238269.